The following is an entry in ClinVar:

ClinVar aggregate classification (germline): Uncertain significance (1 of 4 stars; one submission).

Conditions:
Cardiovascular phenotype. Identifiers: MedGen CN230736.

Submission:

Ambry Genetics
Classification: Uncertain significance for Cardiovascular phenotype. Last evaluated: 2023-07-06. Review status: criteria provided, single submitter. Criteria: Ambry Variant Classification Scheme 2023. Collection method: clinical testing. Allele origin: germline.
Comment: The p.V464L variant (also known as c.1390G>T), located in coding exon 9 of the ABCC9 gene, results from a G to T substitution at nucleotide position 1390. The valine at codon 464 is replaced by leucine, an amino acid with highly similar properties. This amino acid position is well conserved in available vertebrate species. In addition, this alteration is predicted to be tolerated by in silico analysis. Since supporting evidence is limited at this time, the clinical significance of this alteration remains unclear.

NM_020297.4(ABCC9):c.1390G>T (p.Val464Leu)

Gene: ABCC9 (ATP binding cassette subfamily C member 9; minus strand). Cytogenetic location: 12p12.1.
Variant type: single nucleotide variant.
Coding change: c.1390G>T on transcript NM_020297.4 (MANE Select); coding-DNA position 1390, G replaced by T.
Protein change: p.Val464Leu; replaces valine 464 with leucine.
Molecular consequence: missense variant.
Genome position (GRCh38, 1-based): chr12:21,908,142, C>A on the plus strand (G>T on the coding strand, the complement: ABCC9 is on the minus strand). VCF-style: chr12-21908142-C-A. GRCh37 (hg19) VCF-style: chr12-22061076-C-A.
Other names: c.1390G>T, p.Val464Leu (NM_001377273.1, NM_005691.4); c.526G>T, p.Val176Leu (NM_001377274.1); short protein forms V176L, V464L.
Identifiers: ClinVar variation 2625274 (VCV002625274.2), dbSNP rs2541647526, ClinGen allele CA384140029.